The following is an entry in ClinVar:

NM_003579.4(RAD54L):c.469C>A (p.Gln157Lys)

Gene: RAD54L (RAD54 like; plus strand). Cytogenetic location: 1p34.1.
Variant type: single nucleotide variant.
Coding change: c.469C>A on transcript NM_003579.4 (MANE Select); coding-DNA position 469, C replaced by A.
Protein change: p.Gln157Lys; replaces glutamine 157 with lysine.
Molecular consequence: missense variant. On other transcripts: 5 prime UTR variant (1).
Genome position (GRCh38, 1-based): chr1:46,260,603, C>A. VCF-style: chr1-46260603-C-A. GRCh37 (hg19) VCF-style: chr1-46726275-C-A.
Other names: c.469C>A, p.Gln157Lys (NM_001142548.2); c.-72C>A (NM_001370766.1); short protein forms Q157K.
Identifiers: ClinVar variation 1742511 (VCV001742511.2), dbSNP rs975812833, ClinGen allele CA21905954.

ClinVar aggregate classification (germline): Uncertain significance (1 of 4 stars; one submission).

Allele frequency attached by ClinVar (database versions not stated): gnomAD exomes below 0.00001; gnomAD 0.00001; TOPMed 0.00003.
gnomAD v4.1: 4 of 1,613,898 alleles (0.00025%); highest among the groups gnomAD compares: African/African-American, 0.004%; no homozygotes.

Submission:

Ambry Genetics
Classification: Uncertain significance. Last evaluated: 2023-09-23. Review status: criteria provided, single submitter. Criteria: Ambry Variant Classification Scheme 2023. Collection method: clinical testing. Allele origin: germline.
Comment: The p.Q157K variant (also known as c.469C>A), located in coding exon 6 of the RAD54L gene, results from a C to A substitution at nucleotide position 469. The glutamine at codon 157 is replaced by lysine, an amino acid with similar properties. This amino acid position is conserved. In addition, this alteration is predicted to be deleterious by in silico analysis. Since supporting evidence is limited at this time, the clinical significance of this alteration remains unclear.